The following is an entry in ClinVar:

NM_015047.3(EMC1):c.850G>T (p.Val284Leu)

Genes: EMC1 (ER membrane protein complex subunit 1; minus strand), EMC1-AS1 (EMC1 antisense RNA 1; plus strand). Cytogenetic location: 1p36.13.
Variant type: single nucleotide variant.
Coding change: c.850G>T on transcript NM_015047.3 (MANE Select); coding-DNA position 850, G replaced by T.
Protein change: p.Val284Leu; replaces valine 284 with leucine.
Molecular consequence: missense variant.
Genome position (GRCh38, 1-based): chr1:19,239,922, C>A on the plus strand (G>T on the coding strand, the complement: EMC1 is on the minus strand). VCF-style: chr1-19239922-C-A. GRCh37 (hg19) VCF-style: chr1-19566416-C-A.
Other names: c.850G>T, p.Val284Leu (NM_001271427.2, NM_001271428.2, NM_001375820.1 and 1 more transcripts); c.784G>T, p.Val262Leu (NM_001271429.2); c.850G>T (NM_015047.1); short protein forms V262L, V284L.
Identifiers: ClinVar variation 1021275 (VCV001021275.7), dbSNP rs771525883, ClinGen allele CA652773.
Genomic context (GRCh38, chr1:19,239,922, plus strand): 5'-GCAGCAGAGCATAGTGGCTTGGGGACAAGTGCAGGAAGAACTGGGCCCGGGAAGCGTCCA[C>A]TGGGTTGGGCTGGGTAGGCAGGACCCGGGGTTGGAATCCACTTCCAAATTCTAAGTCGAG-3'
Protein context (NP_055862.1, residues 274-294): PRVLPTQPNP[Val284Leu]DASRAQFFLH

ClinVar aggregate classification (germline): Uncertain significance. Review status: criteria provided, multiple submitters, no conflicts (2 of 4 stars). 2 submissions from 2 submitters: Uncertain significance (2). Last evaluated 2025-01-06.

Conditions:
Inborn genetic diseases. Identifiers: MedGen C0950123, MeSH D030342.

Allele frequency attached by ClinVar (database versions not stated): ExAC 0.00001; TOPMed 0.00001.
gnomAD v4.1: 94 of 1,613,936 alleles (0.0058%); highest among the groups gnomAD compares: Non-Finnish European, 0.0077%; no homozygotes.

Submissions (2):

Labcorp Genetics (formerly Invitae), Labcorp
Classification: Uncertain significance. Last evaluated: 2025-01-06. Review status: criteria provided, single submitter. Criteria: Invitae Variant Classification Sherloc (09022015). Collection method: clinical testing. Allele origin: germline.
Comment: This sequence change replaces valine, which is neutral and non-polar, with leucine, which is neutral and non-polar, at codon 284 of the EMC1 protein (p.Val284Leu). This variant is present in population databases (rs771525883, gnomAD 0.003%). This variant has not been reported in the literature in individuals affected with EMC1-related conditions. ClinVar contains an entry for this variant (Variation ID: 1021275). Invitae Evidence Modeling of protein sequence and biophysical properties (such as structural, functional, and spatial information, amino acid conservation, physicochemical variation, residue mobility, and thermodynamic stability) indicates that this missense variant is not expected to disrupt EMC1 protein function with a negative predictive value of 80%. In summary, the available evidence is currently insufficient to determine the role of this variant in disease. Therefore, it has been classified as a Variant of Uncertain Significance.

Ambry Genetics
Classification: Uncertain significance for Inborn genetic diseases. Last evaluated: 2024-04-12. Review status: criteria provided, single submitter. Criteria: Ambry Variant Classification Scheme 2023. Collection method: clinical testing. Allele origin: germline.